The following is an entry in ClinVar:

NM_001130004.2(ACTN1):c.1019C>T (p.Thr340Met)

Gene: ACTN1 (actinin alpha 1; minus strand). Cytogenetic location: 14q24.1.
Variant type: single nucleotide variant.
Coding change: c.1019C>T on transcript NM_001130004.2 (MANE Select); coding-DNA position 1019, C replaced by T.
Protein change: p.Thr340Met; replaces threonine 340 with methionine.
Molecular consequence: missense variant.
Genome position (GRCh38, 1-based): chr14:68,892,120, G>A on the plus strand (C>T on the coding strand, the complement: ACTN1 is on the minus strand). VCF-style: chr14-68892120-G-A. GRCh37 (hg19) VCF-style: chr14-69358837-G-A.
Other names: p.Thr340Met; c.1019C>T, p.Thr340Met (NM_001102.4, NM_001130005.2); short protein forms T340M.
Identifiers: ClinVar variation 812968 (VCV000812968.11), dbSNP rs1594771155, ClinGen allele CA390188331.

ClinVar aggregate classification (germline): Conflicting classifications of pathogenicity. Review status: criteria provided, conflicting classifications (1 of 4 stars). 6 submissions from 6 submitters: Likely pathogenic (1); Uncertain significance (4). 1 of the submissions does not count toward it. Last evaluated 2026-08-01.

Conditions:
Macrothrombocytopenia. Identifiers: MedGen C2751260, HP:0040185.

Allele frequency attached by ClinVar (database versions not stated): gnomAD exomes below 0.00001.

Submissions (6):

CeGaT Center for Human Genetics Tuebingen
Classification: Uncertain significance. Last evaluated: 2026-08-01. Review status: criteria provided, single submitter. Criteria: CeGaT Center For Human Genetics Tuebingen Variant Classification Criteria Version 2. Collection method: clinical testing. Allele origin: germline. Affected: yes. Observed: 1 variant allele.
Comment: ACTN1: PM2, PS4:Moderate

Mayo Clinic Laboratories, Mayo Clinic
Classification: Likely pathogenic. Last evaluated: 2025-09-25. Review status: criteria provided, single submitter. Criteria: ACMG Guidelines, 2015. Collection method: clinical testing. Allele origin: germline. Observed: 1 variant allele.
Comment: PP2, PM1, PM2_supporting, PS4_moderate

Labcorp Genetics (formerly Invitae), Labcorp
Classification: Uncertain significance. Last evaluated: 2025-07-23. Review status: criteria provided, single submitter. Criteria: Invitae Variant Classification Sherloc (09022015). Collection method: clinical testing. Allele origin: germline.
Comment: This sequence change replaces threonine, which is neutral and polar, with methionine, which is neutral and non-polar, at codon 340 of the ACTN1 protein (p.Thr340Met). This variant is not present in population databases (gnomAD no frequency). This missense change has been observed in individual(s) with ACTN1-related thrombocytopenia (PMID: 31249973, 35295078). ClinVar contains an entry for this variant (Variation ID: 812968). Invitae Evidence Modeling of protein sequence and biophysical properties (such as structural, functional, and spatial information, amino acid conservation, physicochemical variation, residue mobility, and thermodynamic stability) indicates that this missense variant is expected to disrupt ACTN1 protein function with a positive predictive value of 80%. In summary, the available evidence is currently insufficient to determine the role of this variant in disease. Therefore, it has been classified as a Variant of Uncertain Significance.

Blueprint Genetics
Classification: Uncertain significance. Last evaluated: 2021-10-18. Review status: criteria provided, single submitter. Criteria: ACMG Guidelines, 2015. Collection method: clinical testing. Allele origin: germline.

GeneDx
Classification: Uncertain significance. Last evaluated: 2020-10-21. Review status: criteria provided, single submitter. Criteria: GeneDx Variant Classification Process June 2021. Collection method: clinical testing. Allele origin: germline. Affected: yes.
Comment: Reported in an individual with thrombocytopenia, but familial segregation information was not provided (Andres et al., 2018); In silico analysis supports that this missense variant has a deleterious effect on protein structure/function; No data available from control populations to assess the frequency of this variant; This variant is associated with the following publications: (PMID: 31249973, 32581362)

NIHR Bioresource Rare Diseases, University of Cambridge
Classification: Likely pathogenic for Macrothrombocytopenia. Review status: no assertion criteria provided. Collection method: research. Allele origin: unknown. Affected: yes. Observed: 4 variant alleles. Not counted in ClinVar's aggregate classification.

Literature cited by the submitters: PubMed 31249973 (cited by Mayo Clinic Laboratories, Mayo Clinic and Labcorp Genetics (formerly Invitae), Labcorp); PubMed 32581362 (cited by Mayo Clinic Laboratories, Mayo Clinic and NIHR Bioresource Rare Diseases, University of Cambridge); PubMed 35295078 (cited by Mayo Clinic Laboratories, Mayo Clinic and Labcorp Genetics (formerly Invitae), Labcorp).